The following is an entry in ClinVar:

ClinVar aggregate classification (germline): Uncertain significance (1 of 4 stars; one submission).

Conditions:
CACNA1G-related disorder. Also called: CACNA1G-related disorders; CACNA1G-related condition.

Submission:

3billion
Classification: Uncertain significance for CACNA1G-related disorder. Last evaluated: 2025-11-17. Review status: criteria provided, single submitter. Criteria: ACMG Guidelines, 2015. Collection method: clinical testing. Allele origin: germline. Affected: yes.
Comment: The variant is not observed in the gnomAD v4.1.0 dataset. Predicted Consequence/Location: Missense variant. Missense changes are a common disease-causing mechanism. In silico tool predictions suggest damaging effect of the variant on gene or gene product [REVEL: 0.95 (>=0.6, sensitivity 0.68 and specificity 0.92); 3Cnet: 0.99 (> 0.75, sensitivity 0.96 and precision 0.92)]. A different missense change at the same codon (p.Asp1279Asn) has been reported to be associated with CACNA1G-related disorder (ClinVar ID: VCV001027472 /PMID: 34445196). Therefore, this variant is classified as VUS according to the recommendation of ACMG/AMP guideline.

Literature cited by the submitters: PubMed 34445196.

NM_018896.5(CACNA1G):c.3836A>G (p.Asp1279Gly)

Gene: CACNA1G (calcium voltage-gated channel subunit alpha1 G; plus strand). Cytogenetic location: 17q21.33.
Variant type: single nucleotide variant.
Coding change: c.3836A>G on transcript NM_018896.5 (MANE Select); coding-DNA position 3836, A replaced by G.
Protein change: p.Asp1279Gly; replaces aspartic acid 1279 with glycine.
Molecular consequence: missense variant. On other transcripts: non-coding transcript variant (5).
Genome position (GRCh38, 1-based): chr17:50,601,095, A>G. VCF-style: chr17-50601095-A-G. GRCh37 (hg19) VCF-style: chr17-48678456-A-G.
Other names: c.3836A>G, p.Asp1279Gly (NM_001256324.2, NM_001256325.2, NM_001256326.2 and 16 more transcripts); c.3767A>G, p.Asp1256Gly (NM_001256332.2, NM_198376.3, NM_198379.3 and 5 more transcripts); short protein forms D1256G, D1279G.
Identifiers: ClinVar variation 4856287 (VCV004856287.1).
Genomic context (GRCh38, chr17:50,601,095, plus strand): 5'-CTCCATGCCTGGGCAGGTTCCGCCTCCTGTGTCACCGGATCATCACCCACAAGATGTTCG[A>G]CCACGTGGTCCTTGTCATCATCTTCCTTAACTGCATCACCATCGCCATGGAGCGCCCCAA-3'
Protein context (NP_061496.2, residues 1269-1289): CHRIITHKMF[Asp1279Gly]HVVLVIIFLN